The following is an entry in ClinVar:

NM_001113378.2(FANCI):c.2203A>G (p.Ile735Val)

Gene: FANCI (FA complementation group I; plus strand). Cytogenetic location: 15q26.1.
Variant type: single nucleotide variant.
Coding change: c.2203A>G on transcript NM_001113378.2 (MANE Select); coding-DNA position 2203, A replaced by G.
Protein change: p.Ile735Val; replaces isoleucine 735 with valine.
Molecular consequence: missense variant.
Genome position (GRCh38, 1-based): chr15:89,292,975, A>G. VCF-style: chr15-89292975-A-G. GRCh37 (hg19) VCF-style: chr15-89836206-A-G.
Other names: c.1924A>G, p.Ile642Val (NM_001376910.1); c.2203A>G, p.Ile735Val (NM_001376911.1, NM_018193.3); short protein forms I735V, I642V.
Identifiers: ClinVar variation 456205 (VCV000456205.12), dbSNP rs377308647, ClinGen allele CA7723315.

ClinVar aggregate classification (germline): Uncertain significance. Review status: criteria provided, multiple submitters, no conflicts (2 of 4 stars). 4 submissions from 4 submitters: Uncertain significance (4). Last evaluated 2023-10-13.

Conditions:
Fanconi anemia (FA). Also called: Fanconi's anemia. Identifiers: Orphanet 84, MedGen C0015625, MeSH D005199, MONDO:0019391.
Fanconi anemia complementation group I (FANCI). Also called: FANCI-Related Fanconi Anemia. Identifiers: Orphanet 84, MedGen C1836861, MONDO:0012186, OMIM 609053.

Allele frequency attached by ClinVar (database versions not stated): gnomAD 0.00006; gnomAD exomes 0.00007 and 0.00008; TOPMed 0.00007; ESP Exome Variant Server 0.00008; ExAC 0.00012.
gnomAD v4.1: 129 of 1,614,000 alleles (0.008%); highest among the groups gnomAD compares: Non-Finnish European, 0.0096%; no homozygotes.

Submissions (4):

Labcorp Genetics (formerly Invitae), Labcorp
Classification: Uncertain significance for Fanconi anemia. Last evaluated: 2023-10-13. Review status: criteria provided, single submitter. Criteria: Invitae Variant Classification Sherloc (09022015). Collection method: clinical testing. Allele origin: germline.
Comment: This sequence change replaces isoleucine, which is neutral and non-polar, with valine, which is neutral and non-polar, at codon 735 of the FANCI protein (p.Ile735Val). This variant is present in population databases (rs377308647, gnomAD 0.01%). This variant has not been reported in the literature in individuals affected with FANCI-related conditions. ClinVar contains an entry for this variant (Variation ID: 456205). Advanced modeling of protein sequence and biophysical properties (such as structural, functional, and spatial information, amino acid conservation, physicochemical variation, residue mobility, and thermodynamic stability) performed at Invitae indicates that this missense variant is not expected to disrupt FANCI protein function. In summary, the available evidence is currently insufficient to determine the role of this variant in disease. Therefore, it has been classified as a Variant of Uncertain Significance.

GeneDx
Classification: Uncertain significance. Last evaluated: 2023-08-01. Review status: criteria provided, single submitter. Criteria: GeneDx Variant Classification Process June 2021. Collection method: clinical testing. Allele origin: germline. Affected: yes.
Comment: In silico analysis supports that this missense variant does not alter protein structure/function; Has not been previously published as pathogenic or benign to our knowledge

Fulgent Genetics
Classification: Uncertain significance for Fanconi anemia complementation group I. Last evaluated: 2022-01-07. Review status: criteria provided, single submitter. Criteria: ACMG Guidelines, 2015. Collection method: clinical testing. Allele origin: unknown.

Institute for Clinical Genetics, University Hospital TU Dresden, University Hospital TU Dresden
Classification: Uncertain significance. Last evaluated: 2021-11-03. Review status: criteria provided, single submitter. Criteria: ACMG Guidelines, 2015. Collection method: clinical testing. Allele origin: germline.